The following is an entry in ClinVar:

ClinVar aggregate classification (germline): Likely pathogenic (1 of 4 stars; one submission).

Conditions:
Peroxisome biogenesis disorder. Identifiers: Orphanet 79189, MedGen C1832200, MONDO:0019234. Disease mechanism: loss of function.

Submission:

Women's Health and Genetics/Laboratory Corporation of America, LabCorp
Classification: Likely pathogenic for Peroxisome biogenesis disorders, Zellweger syndrome spectrum. Last evaluated: 2020-09-14. Review status: criteria provided, single submitter. Criteria: LabCorp Variant Classification Summary - May 2015. Collection method: clinical testing. Allele origin: germline.
Comment: Variant summary: PEX1 c.249_250insT (p.Leu84SerfsX24) results in a premature termination codon, predicted to cause a truncation of the encoded protein or absence of the protein due to nonsense mediated decay, which are commonly known mechanisms for disease. Truncations downstream of this position have been classified as pathogenic by our laboratory. The variant was absent in 251472 control chromosomes. c.249_250insT has been reported in the literature in at least one individual affected with Zellweger Syndrome (Thoms_2011). To our knowledge, no experimental evidence demonstrating an impact on protein function has been reported. No clinical diagnostic laboratories have submitted clinical-significance assessments for this variant to ClinVar after 2014. Based on the evidence outlined above, the variant was classified as likely pathogenic.

Literature cited by the submitters: PubMed 21846392.

NM_000466.3(PEX1):c.249_250insT (p.Leu84fs)

Gene: PEX1 (peroxisomal biogenesis factor 1; minus strand). Cytogenetic location: 7q21.2.
Variant type: Insertion.
Coding change: c.249_250insT on transcript NM_000466.3 (MANE Select); coding-DNA positions 249 to 250, T inserted.
Protein change: p.Leu84fs; shifts the reading frame from leucine 84.
Molecular consequence: frameshift variant. On other transcripts: 5 prime UTR variant (1).
Genome position: GRCh38 VCF-style: chr7-92522125-G-GA. GRCh37 (hg19) VCF-style: chr7-92151439-G-GA.
Other names: c.249_250insT, p.Leu84fs (NM_001282677.2); c.-411_-410insT (NM_001282678.2); short protein forms L84fs.
Identifiers: ClinVar variation 981111 (VCV000981111.1), dbSNP rs1793076195, ClinGen allele CA1139659846.